The following is an entry in ClinVar:

NM_032217.5(ANKRD17):c.1760G>A (p.Gly587Glu)

Gene: ANKRD17 (ankyrin repeat domain 17; minus strand). Cytogenetic location: 4q13.3.
Variant type: single nucleotide variant.
Coding change: c.1760G>A on transcript NM_032217.5 (MANE Select); coding-DNA position 1760, G replaced by A.
Protein change: p.Gly587Glu; replaces glycine 587 with glutamic acid.
Molecular consequence: missense variant.
Genome position (GRCh38, 1-based): chr4:73,146,873, C>T on the plus strand (G>A on the coding strand, the complement: ANKRD17 is on the minus strand). VCF-style: chr4-73146873-C-T. GRCh37 (hg19) VCF-style: chr4-74012590-C-T.
Other names: c.1421G>A, p.Gly474Glu (NM_001286771.3); c.1760G>A, p.Gly587Glu (NM_015574.2, NM_198889.3); short protein forms G474E, G587E.
Identifiers: ClinVar variation 2631007 (VCV002631007.2), dbSNP rs1730348785, ClinGen allele CA357225939.

ClinVar aggregate classification (germline): Uncertain significance. Review status: criteria provided, multiple submitters, no conflicts (2 of 4 stars). 2 submissions from 2 submitters: Uncertain significance (2). Last evaluated 2023-10-12.

Conditions:
ANKRD17-related disorder. Also called: ANKRD17-related condition.

Allele frequency attached by ClinVar (database versions not stated): TOPMed below 0.00001.

Submissions (2):

GeneDx
Classification: Uncertain significance. Last evaluated: 2023-10-12. Review status: criteria provided, single submitter. Criteria: GeneDx Variant Classification Process June 2021. Collection method: clinical testing. Allele origin: germline. Affected: yes.
Comment: Not observed at significant frequency in large population cohorts (gnomAD); In silico analysis supports that this missense variant has a deleterious effect on protein structure/function; Has not been previously published as pathogenic or benign to our knowledge

PreventionGenetics, part of Exact Sciences
Classification: Uncertain significance for ANKRD17-related condition. Last evaluated: 2023-09-11. Review status: criteria provided, single submitter. Criteria: ACMG Guidelines, 2015. Collection method: clinical testing. Allele origin: germline.
Comment: The ANKRD17 c.1760G>A variant is predicted to result in the amino acid substitution p.Gly587Glu. To our knowledge, this variant has not been reported in the literature or in a large population database, indicating this variant is rare. At this time, the clinical significance of this variant is uncertain due to the absence of conclusive functional and genetic evidence.